The following is an entry in ClinVar:

NM_003738.5(PTCH2):c.131T>A (p.Leu44His)

Gene: PTCH2 (patched 2; minus strand). Cytogenetic location: 1p34.1.
Variant type: single nucleotide variant.
Coding change: c.131T>A on transcript NM_003738.5 (MANE Select); coding-DNA position 131, T replaced by A.
Protein change: p.Leu44His; replaces leucine 44 with histidine.
Molecular consequence: missense variant.
Genome position (GRCh38, 1-based): chr1:44,841,981, A>T on the plus strand (T>A on the coding strand, the complement: PTCH2 is on the minus strand). VCF-style: chr1-44841981-A-T. GRCh37 (hg19) VCF-style: chr1-45307653-A-T.
Other names: c.131T>A, p.Leu44His (NM_001166292.2); short protein forms L44H.
Identifiers: ClinVar variation 3626403 (VCV003626403.2).

ClinVar aggregate classification (germline): Uncertain significance (1 of 4 stars; one submission).

Conditions:
Gorlin syndrome. Also called: Basal cell nevus syndrome; Nevoid Basal Cell Carcinoma Syndrome. Identifiers: Orphanet 377, MedGen C0004779, MONDO:0007187.

gnomAD v4.1: 5 of 1,614,166 alleles (0.00031%); highest among the groups gnomAD compares: Non-Finnish European, 0.00042%; no homozygotes.

Submission:

Labcorp Genetics (formerly Invitae), Labcorp
Classification: Uncertain significance for Gorlin syndrome. Last evaluated: 2024-04-03. Review status: criteria provided, single submitter. Criteria: Invitae Variant Classification Sherloc (09022015). Collection method: clinical testing. Allele origin: germline.
Comment: This sequence change replaces leucine, which is neutral and non-polar, with histidine, which is basic and polar, at codon 44 of the PTCH2 protein (p.Leu44His). This variant is not present in population databases (gnomAD no frequency). This variant has not been reported in the literature in individuals affected with PTCH2-related conditions. Advanced modeling of protein sequence and biophysical properties (such as structural, functional, and spatial information, amino acid conservation, physicochemical variation, residue mobility, and thermodynamic stability) has been performed at Invitae for this missense variant, however the output from this modeling did not meet the statistical confidence thresholds required to predict the impact of this variant on PTCH2 protein function. In summary, the available evidence is currently insufficient to determine the role of this variant in disease. Therefore, it has been classified as a Variant of Uncertain Significance.